The following is an entry in ClinVar:

ClinVar aggregate classification (germline): Uncertain significance (1 of 4 stars; one submission).

gnomAD v4.1: 1 of 1,612,156 alleles (0.000062%); no homozygotes.

Submission:

Labcorp Genetics (formerly Invitae), Labcorp
Classification: Uncertain significance. Last evaluated: 2025-04-18. Review status: criteria provided, single submitter. Criteria: Invitae Variant Classification Sherloc (09022015). Collection method: clinical testing. Allele origin: germline.
Comment: This sequence change replaces alanine, which is neutral and non-polar, with proline, which is neutral and non-polar, at codon 600 of the CACNA2D4 protein (p.Ala600Pro). This variant is not present in population databases (gnomAD no frequency). This variant has not been reported in the literature in individuals affected with CACNA2D4-related conditions. ClinVar contains an entry for this variant (Variation ID: 2990103). An algorithm developed to predict the effect of missense changes on protein structure and function (PolyPhen-2) suggests that this variant is likely to be tolerated. In summary, the available evidence is currently insufficient to determine the role of this variant in disease. Therefore, it has been classified as a Variant of Uncertain Significance.

NM_172364.5(CACNA2D4):c.1798G>C (p.Ala600Pro)

Gene: CACNA2D4 (calcium voltage-gated channel auxiliary subunit alpha2delta 4; minus strand). Cytogenetic location: 12p13.33.
Variant type: single nucleotide variant.
Coding change: c.1798G>C on transcript NM_172364.5 (MANE Select); coding-DNA position 1798, G replaced by C.
Protein change: p.Ala600Pro; replaces alanine 600 with proline.
Molecular consequence: missense variant.
Genome position (GRCh38, 1-based): chr12:1,875,259, C>G on the plus strand (G>C on the coding strand, the complement: CACNA2D4 is on the minus strand). VCF-style: chr12-1875259-C-G. GRCh37 (hg19) VCF-style: chr12-1984425-C-G.
Other names: short protein forms A600P.
Identifiers: ClinVar variation 2990103 (VCV002990103.3), dbSNP rs1865857803, ClinGen allele CA383351069.